The following is an entry in ClinVar:

NC_000013.10:g.(?_20472281)_(24052335_?)del

Genes: CRYL1 (crystallin lambda 1; minus strand), EEF1AKMT1 (EEF1A lysine methyltransferase 1; minus strand), FGF9 (fibroblast growth factor 9; plus strand), GJA3 (gap junction protein alpha 3; minus strand), GJB2 (gap junction protein beta 2; minus strand) and 13 more. Cytogenetic location: 13q12.11-12.12.
Variant type: Deletion.
Identifiers: ClinVar variation 3244212 (VCV003244212.1).

ClinVar aggregate classification (germline): Pathogenic (1 of 4 stars; one submission).

Submission:

Labcorp Genetics (formerly Invitae), Labcorp
Classification: Pathogenic. Last evaluated: 2023-02-20. Review status: criteria provided, single submitter. Criteria: Invitae Variant Classification Sherloc (09022015). Collection method: clinical testing. Allele origin: unknown.
Comment: A gross deletion of the genomic region encompassing the full coding sequence of the ZMYM2 gene has been identified. Loss-of-function variants in ZMYM2 are known to be pathogenic (PMID: 32891193). The boundaries of this event are unknown as they extend beyond the assayed region for this gene and therefore may encompass additional genes. This variant has not been reported in the literature in individuals affected with ZMYM2-related conditions. For these reasons, this variant has been classified as Pathogenic.

Literature cited by the submitters: PubMed 32891193.